The following is an entry in ClinVar:

ClinVar aggregate classification (germline): Benign/Likely benign. Review status: criteria provided, multiple submitters, no conflicts (2 of 4 stars). 3 submissions from 3 submitters: Benign (1); Likely benign (2). Last evaluated 2026-01-31.

Allele frequency attached by ClinVar (database versions not stated): ExAC 0.00733.
gnomAD v4.1: 1,219 of 700,284 alleles (0.17%); highest among the groups gnomAD compares: Non-Finnish European, 0.11%; 9 homozygotes.

Submissions (3):

Labcorp Genetics (formerly Invitae), Labcorp
Classification: Benign. Last evaluated: 2026-01-31. Review status: criteria provided, single submitter. Criteria: Invitae Variant Classification Sherloc (09022015). Collection method: clinical testing. Allele origin: germline.

Blueprint Genetics
Classification: Likely benign. Last evaluated: 2024-11-11. Review status: criteria provided, single submitter. Criteria: ACMG Guidelines, 2015. Collection method: clinical testing. Allele origin: germline.

CeGaT Center for Human Genetics Tuebingen
Classification: Likely benign. Last evaluated: 2024-01-01. Review status: criteria provided, single submitter. Criteria: CeGaT Center For Human Genetics Tuebingen Variant Classification Criteria Version 2. Collection method: clinical testing. Allele origin: germline. Affected: yes. Observed: 1 variant allele.
Comment: RNU4ATAC: BS2

NC_000002.12:g.121530966C>T

Genes: RNU4ATAC (RNA, U4atac small nuclear; plus strand), CLASP1 (cytoplasmic linker associated protein 1; minus strand), CLASP1-AS1 (CLASP1 antisense RNA 1; plus strand). Cytogenetic location: 2q14.2.
Variant type: single nucleotide variant.
Molecular consequence: intron variant (on NM_001395891.1).
Genome position: GRCh38 VCF-style: chr2-121530966-C-T. GRCh37 (hg19) VCF-style: chr2-122288542-C-T.
Other names: c.196-641G>A (NM_001142274.2, NM_015282.3, NM_001378003.1 and 5 more transcripts).
Identifiers: ClinVar variation 1168718 (VCV001168718.32), dbSNP rs186447983, ClinGen allele CA1854727.